The following is an entry in ClinVar:

ClinVar aggregate classification (germline): Uncertain significance (1 of 4 stars; one submission).

gnomAD v4.1: 1 of 1,613,640 alleles (0.000062%); highest among the groups gnomAD compares: Non-Finnish European, 0.000085%; no homozygotes.

Submission:

GeneDx
Classification: Uncertain significance. Last evaluated: 2024-10-21. Review status: criteria provided, single submitter. Criteria: GeneDx Variant Classification Process June 2021. Collection method: clinical testing. Allele origin: germline. Affected: yes.
Comment: In silico analysis indicates that this missense variant does not alter protein structure/function; Has not been previously published as pathogenic or benign to our knowledge

NM_003036.4(SKI):c.1016C>A (p.Thr339Asn)

Gene: SKI (SKI proto-oncogene; plus strand). Cytogenetic location: 1p36.32.
Variant type: single nucleotide variant.
Coding change: c.1016C>A on transcript NM_003036.4 (MANE Select); coding-DNA position 1016, C replaced by A.
Protein change: p.Thr339Asn; replaces threonine 339 with asparagine.
Molecular consequence: missense variant.
Genome position (GRCh38, 1-based): chr1:2,303,024, C>A. VCF-style: chr1-2303024-C-A. GRCh37 (hg19) VCF-style: chr1-2234463-C-A.
Other names: short protein forms T339N.
Identifiers: ClinVar variation 3781296 (VCV003781296.1).